The following is an entry in ClinVar:

NM_002900.3(RBP3):c.2498G>A (p.Arg833His)

Gene: RBP3 (retinol binding protein 3; plus strand). Cytogenetic location: 10q11.22.
Variant type: single nucleotide variant.
Coding change: c.2498G>A on transcript NM_002900.3 (MANE Select); coding-DNA position 2498, G replaced by A.
Protein change: p.Arg833His; replaces arginine 833 with histidine.
Molecular consequence: missense variant.
Genome position (GRCh38, 1-based): chr10:47,350,982, G>A. VCF-style: chr10-47350982-G-A. GRCh37 (hg19) VCF-style: chr10-48388380-C-T.
Other names: c.2498G>A (NM_002900.2); short protein forms R833H.
Identifiers: ClinVar variation 1022326 (VCV001022326.8), dbSNP rs200783520, ClinGen allele CA5487269.

ClinVar aggregate classification (germline): Uncertain significance. Review status: criteria provided, multiple submitters, no conflicts (2 of 4 stars). 4 submissions from 4 submitters: Uncertain significance (3). 1 of the submissions does not count toward it. Last evaluated 2025-08-23.

Conditions:
Retinal dystrophy. Also called: Inherited retinal dystrophy. Identifiers: Orphanet 71862, MedGen C0854723, MeSH D058499, MONDO:0019118, HP:0000556.
Inborn genetic diseases. Identifiers: MedGen C0950123, MeSH D030342.

Allele frequency attached by ClinVar (database versions not stated): ExAC 0.00002; gnomAD exomes 0.00005; gnomAD 0.00006; TOPMed 0.00011; ESP Exome Variant Server 0.00015.
gnomAD v4.1: 49 of 1,611,718 alleles (0.003%); highest among the groups gnomAD compares: African/African-American, 0.035%; no homozygotes.

Submissions (4):

Ambry Genetics
Classification: Uncertain significance for Inborn genetic diseases. Last evaluated: 2025-08-23. Review status: criteria provided, single submitter. Criteria: Ambry Variant Classification Scheme 2023. Collection method: clinical testing. Allele origin: germline.

Blueprint Genetics
Classification: Uncertain significance. Last evaluated: 2024-07-02. Review status: criteria provided, single submitter. Criteria: ACMG Guidelines, 2015. Collection method: clinical testing. Allele origin: germline.

Labcorp Genetics (formerly Invitae), Labcorp
Classification: Uncertain significance. Last evaluated: 2022-08-15. Review status: criteria provided, single submitter. Criteria: Invitae Variant Classification Sherloc (09022015). Collection method: clinical testing. Allele origin: germline.
Comment: In summary, the available evidence is currently insufficient to determine the role of this variant in disease. Therefore, it has been classified as a Variant of Uncertain Significance. Algorithms developed to predict the effect of missense changes on protein structure and function output the following: SIFT: "Deleterious"; PolyPhen-2: "Possibly Damaging"; Align-GVGD: "Class C0". The histidine amino acid residue is found in multiple mammalian species, which suggests that this missense change does not adversely affect protein function. ClinVar contains an entry for this variant (Variation ID: 1022326). This variant has not been reported in the literature in individuals affected with RBP3-related conditions. This variant is present in population databases (rs200783520, gnomAD 0.04%). This sequence change replaces arginine, which is basic and polar, with histidine, which is basic and polar, at codon 833 of the RBP3 protein (p.Arg833His).

Institute of Human Genetics, Univ. Regensburg, Univ. Regensburg
Classification: Uncertain significance for Retinal dystrophy. Last evaluated: 2014-01-01. Review status: no assertion criteria provided. Criteria: ACMG Guidelines, 2015. Collection method: clinical testing. Allele origin: germline. Affected: yes. Not counted in ClinVar's aggregate classification.